The following is an entry in ClinVar:

ClinVar aggregate classification (germline): Uncertain significance (1 of 4 stars; one submission).

Allele frequency attached by ClinVar (database versions not stated): gnomAD exomes below 0.00001.
gnomAD v4.1: 1 of 1,613,930 alleles (0.000062%); highest among the groups gnomAD compares: Non-Finnish European, 0.000085%; no homozygotes.

Submission:

Labcorp Genetics (formerly Invitae), Labcorp
Classification: Uncertain significance. Last evaluated: 2023-07-31. Review status: criteria provided, single submitter. Criteria: Invitae Variant Classification Sherloc (09022015). Collection method: clinical testing. Allele origin: germline.
Comment: In summary, the available evidence is currently insufficient to determine the role of this variant in disease. Therefore, it has been classified as a Variant of Uncertain Significance. An algorithm developed to predict the effect of missense changes on protein structure and function (PolyPhen-2) suggests that this variant is likely to be disruptive. This variant has not been reported in the literature in individuals affected with SUCO-related conditions. This variant is not present in population databases (gnomAD no frequency). This sequence change replaces arginine, which is basic and polar, with glycine, which is neutral and non-polar, at codon 1200 of the SUCO protein (p.Arg1200Gly).

NM_014283.5(SUCO):c.3598A>G (p.Arg1200Gly)

Gene: SUCO (SUN domain containing ossification factor; plus strand). Cytogenetic location: 1q24.3.
Variant type: single nucleotide variant.
Coding change: c.3598A>G on transcript NM_014283.5 (MANE Select); coding-DNA position 3598, A replaced by G.
Protein change: p.Arg1200Gly; replaces arginine 1200 with glycine.
Molecular consequence: missense variant.
Genome position (GRCh38, 1-based): chr1:172,610,092, A>G. VCF-style: chr1-172610092-A-G. GRCh37 (hg19) VCF-style: chr1-172579232-A-G.
Other names: c.2485A>G, p.Arg829Gly (NM_001282750.2); c.1909A>G, p.Arg637Gly (NM_001282751.2); c.4051A>G, p.Arg1351Gly (NM_016227.4); short protein forms R1200G, R637G, R829G, R1351G.
Identifiers: ClinVar variation 2748324 (VCV002748324.3), dbSNP rs2527517545, ClinGen allele CA343753562.